The following is an entry in ClinVar:

NM_001558.4(IL10RA):c.746C>A (p.Ala249Asp)

Gene: IL10RA (interleukin 10 receptor subunit alpha; plus strand). Cytogenetic location: 11q23.3.
Variant type: single nucleotide variant.
Coding change: c.746C>A on transcript NM_001558.4 (MANE Select); coding-DNA position 746, C replaced by A.
Protein change: p.Ala249Asp; replaces alanine 249 with aspartic acid.
Molecular consequence: missense variant. On other transcripts: non-coding transcript variant (1).
Genome position (GRCh38, 1-based): chr11:117,995,646, C>A. VCF-style: chr11-117995646-C-A. GRCh37 (hg19) VCF-style: chr11-117866361-C-A.
Other names: short protein forms A249D.
Identifiers: ClinVar variation 1392618 (VCV001392618.6), dbSNP rs1325062418, ClinGen allele CA382776765.

ClinVar aggregate classification (germline): Uncertain significance (1 of 4 stars; one submission).

Conditions:
Inflammatory bowel disease 28. Also called: Inflammatory bowel disease 28, early onset, autosomal recessive. Identifiers: Orphanet 238569, MedGen C2751053, MONDO:0013153, OMIM 613148.

Submission:

Labcorp Genetics (formerly Invitae), Labcorp
Classification: Uncertain significance for Inflammatory bowel disease 28. Last evaluated: 2021-11-11. Review status: criteria provided, single submitter. Criteria: Invitae Variant Classification Sherloc (09022015). Collection method: clinical testing. Allele origin: germline.
Comment: This sequence change replaces alanine, which is neutral and non-polar, with aspartic acid, which is acidic and polar, at codon 249 of the IL10RA protein (p.Ala249Asp). In summary, the available evidence is currently insufficient to determine the role of this variant in disease. Therefore, it has been classified as a Variant of Uncertain Significance. Algorithms developed to predict the effect of missense changes on protein structure and function are either unavailable or do not agree on the potential impact of this missense change (SIFT: "Deleterious"; PolyPhen-2: "Possibly Damaging"; Align-GVGD: "Class C15"). This variant has not been reported in the literature in individuals affected with IL10RA-related conditions. This variant is not present in population databases (gnomAD no frequency).